The following is an entry in ClinVar:

NM_021922.3(FANCE):c.118G>C (p.Ala40Pro)

Genes: FANCE (FA complementation group E; plus strand), LOC129996245 (ATAC-STARR-seq lymphoblastoid silent region 17092; plus strand). Cytogenetic location: 6p21.31.
Variant type: single nucleotide variant.
Coding change: c.118G>C on transcript NM_021922.3 (MANE Select); coding-DNA position 118, G replaced by C.
Protein change: p.Ala40Pro; replaces alanine 40 with proline.
Molecular consequence: missense variant.
Genome position (GRCh38, 1-based): chr6:35,452,663, G>C. VCF-style: chr6-35452663-G-C. GRCh37 (hg19) VCF-style: chr6-35420440-G-C.
Other names: short protein forms A40P.
Identifiers: ClinVar variation 1366958 (VCV001366958.5), dbSNP rs2150885696, ClinGen allele CA363770252.

ClinVar aggregate classification (germline): Uncertain significance (1 of 4 stars; one submission).

Conditions:
Fanconi anemia complementation group E (FANCE). Also called: FANCE-Related Fanconi Anemia. Identifiers: Orphanet 84, MedGen C3160739, MONDO:0010953, OMIM 600901.

Submission:

Labcorp Genetics (formerly Invitae), Labcorp
Classification: Uncertain significance for Fanconi anemia complementation group E. Last evaluated: 2021-08-30. Review status: criteria provided, single submitter. Criteria: Invitae Variant Classification Sherloc (09022015). Collection method: clinical testing. Allele origin: germline.
Comment: This sequence change replaces alanine with proline at codon 40 of the FANCE protein (p.Ala40Pro). The alanine residue is moderately conserved and there is a small physicochemical difference between alanine and proline. The frequency data for this variant in the population databases is considered unreliable, as metrics indicate insufficient coverage at this position in the ExAC database. This variant has not been reported in the literature in individuals affected with FANCE-related conditions. Algorithms developed to predict the effect of missense changes on protein structure and function are either unavailable or do not agree on the potential impact of this missense change (SIFT: "Deleterious"; PolyPhen-2: "Possibly Damaging"; Align-GVGD: "Class C0"). In summary, the available evidence is currently insufficient to determine the role of this variant in disease. Therefore, it has been classified as a Variant of Uncertain Significance.